The following is an entry in ClinVar:

ClinVar aggregate classification (germline): Uncertain significance (1 of 4 stars; one submission).

Conditions:
Atypical glycine encephalopathy. Also called: Glycine encephalopathy with normal serum glycine. Identifiers: Orphanet 289863, MedGen C4310943, MONDO:0015010, OMIM 617301.

Allele frequency attached by ClinVar (database versions not stated): ExAC 0.00002; gnomAD exomes 0.00002; TOPMed 0.00004.
gnomAD v4.1: 18 of 1,614,038 alleles (0.0011%); highest among the groups gnomAD compares: Admixed American, 0.015%; no homozygotes.

Submission:

Labcorp Genetics (formerly Invitae), Labcorp
Classification: Uncertain significance for Atypical glycine encephalopathy. Last evaluated: 2021-08-24. Review status: criteria provided, single submitter. Criteria: Invitae Variant Classification Sherloc (09022015). Collection method: clinical testing. Allele origin: germline.
Comment: This sequence change replaces valine with methionine at codon 325 of the SLC6A9 protein (p.Val325Met). The valine residue is highly conserved and there is a small physicochemical difference between valine and methionine. This variant is present in population databases (rs200759556, ExAC 0.03%). This variant has not been reported in the literature in individuals affected with SLC6A9-related conditions. Algorithms developed to predict the effect of missense changes on protein structure and function are either unavailable or do not agree on the potential impact of this missense change (SIFT: "Deleterious"; PolyPhen-2: "Probably Damaging"; Align-GVGD: "Class C0"). In summary, the available evidence is currently insufficient to determine the role of this variant in disease. Therefore, it has been classified as a Variant of Uncertain Significance.

NM_001024845.3(SLC6A9):c.754G>A (p.Val252Met)

Gene: SLC6A9 (solute carrier family 6 member 9; minus strand). Cytogenetic location: 1p34.1.
Variant type: single nucleotide variant.
Coding change: c.754G>A on transcript NM_001024845.3 (MANE Select); coding-DNA position 754, G replaced by A.
Protein change: p.Val252Met; replaces valine 252 with methionine.
Molecular consequence: missense variant. On other transcripts: non-coding transcript variant (1).
Genome position (GRCh38, 1-based): chr1:44,002,616, C>T on the plus strand (G>A on the coding strand, the complement: SLC6A9 is on the minus strand). VCF-style: chr1-44002616-C-T. GRCh37 (hg19) VCF-style: chr1-44468288-C-T.
Other names: c.766G>A, p.Val256Met (NM_001261380.2); c.421G>A, p.Val141Met (NM_001328626.2, NM_001328630.2); c.691G>A, p.Val231Met (NM_001328627.1); c.559G>A, p.Val187Met (NM_001328628.1); c.754G>A, p.Val252Met (NM_001328629.1); c.811G>A, p.Val271Met (NM_006934.4); c.973G>A, p.Val325Met (NM_201649.4); short protein forms V187M, V256M, V141M, V231M, V252M, V271M, V325M.
Identifiers: ClinVar variation 969939 (VCV000969939.7), dbSNP rs200759556, ClinGen allele CA817703.